The following is an entry in ClinVar:

NM_001017361.3(KHDC3L):c.450_482del (p.141REAGTQRSVEV[1])

Gene: KHDC3L (KH domain containing 3 like, subcortical maternal complex member; plus strand). Cytogenetic location: 6q13.
Variant type: Deletion.
Coding change: c.450_482del on transcript NM_001017361.3 (MANE Select); coding-DNA positions 450 to 482, 33 bases deleted.
Protein change: p.141REAGTQRSVEV[1].
Molecular consequence: inframe deletion.
Genome position (GRCh38, 1-based): chr6:73,363,656-73,363,688, 33 bases deleted; deleting any 33 consecutive bases within chr6:73,363,642-73,363,688 gives the same sequence; the c. name uses the placement nearest the transcript's 3' end. GRCh37 (hg19): chr6:74,073,379-74,073,411.
Identifiers: ClinVar variation 5007088 (VCV005007088.2).
Genomic context (GRCh38, chr6:73,363,641, plus strand): 5'-TGTCGCCACTCAGAAGGCCGAGACCCAGCGGTCTTCAATAGAAGTCCGGGAGGCCGGGAC[GCAGCGTTCGGTGGAGGTCCGGGAGGCCGGGACC>G]CAGCGTTCGGTGGAAGTCCAGGAGGTCGGGACACAGGGTTCTCCGGTGGAGGTGCAGGAG-3'

ClinVar aggregate classification (germline): Uncertain significance (1 of 4 stars; one submission).

Conditions:
Hydatidiform mole, recurrent, 2 (HYDM2). Identifiers: Orphanet 254688, Orphanet 99927, MedGen C3280352, MONDO:0013671, OMIM 614293.

Submission:

Juno Genomics, Hangzhou Juno Genomics, Inc
Classification: Uncertain significance for Hydatidiform mole, recurrent, 2. Review status: criteria provided, single submitter. Criteria: ACMG Guidelines, 2015. Collection method: clinical testing. Allele origin: germline.
Comment: Protein length changes due to in-frame deletions/insertions in a non-repeat region or stop-loss variants.;Absent from controls (or at extremely low frequency if recessive) in Genome Aggregation Database.